The following is an entry in ClinVar:

ClinVar aggregate classification (germline): Uncertain significance (1 of 4 stars; one submission).

Conditions:
Pseudohyperaldosteronism type 2. Identifiers: Orphanet 88660, MedGen C1854631, MONDO:0011517, OMIM 605115.

Submission:

Baylor Genetics
Classification: Uncertain significance for Pseudohyperaldosteronism type 2. Last evaluated: 2019-03-04. Review status: criteria provided, single submitter. Criteria: ACMG Guidelines, 2015. Collection method: clinical testing. Allele origin: paternal. Affected: yes.
Comment: This variant was determined to be of uncertain significance according to ACMG Guidelines, 2015 [PMID:25741868].

NM_000901.5(NR3C2):c.2799+5G>A

Gene: NR3C2 (nuclear receptor subfamily 3 group C member 2; minus strand). Cytogenetic location: 4q31.23.
Variant type: single nucleotide variant.
Coding change: c.2799+5G>A on transcript NM_000901.5 (MANE Select); 5 bases into the intron after coding-DNA position 2799, G replaced by A.
Molecular consequence: intron variant.
Genome position (GRCh38, 1-based): chr4:148,114,099, C>T on the plus strand (G>A on the coding strand, the complement: NR3C2 is on the minus strand). VCF-style: chr4-148114099-C-T. GRCh37 (hg19) VCF-style: chr4-149035250-C-T.
Other names: c.2448+5G>A (NM_001354819.1, NM_001166104.2).
Identifiers: ClinVar variation 1030919 (VCV001030919.1), dbSNP rs1732166299, ClinGen allele CA1502378098.
Genomic context (GRCh38, chr4:148,114,099, plus strand): 5'-TTGGTCAGCAGTGTGTATGTGGTTGCTGATCCTTCACTTAGGAACCAAGGAGGGGCTCTA[C>T]TCACGTCATGCATGGAGTCCAGCAGCTTGGTCAGTTGGTAGAACCTCTGCCAGCTCTGCC-3'